The following is an entry in ClinVar:

NM_000348.4(SRD5A2):c.602G>A (p.Trp201Ter)

Gene: SRD5A2 (steroid 5 alpha-reductase 2; minus strand). Cytogenetic location: 2p23.1.
Variant type: single nucleotide variant.
Coding change: c.602G>A on transcript NM_000348.4 (MANE Select); coding-DNA position 602, G replaced by A.
Protein change: p.Trp201Ter; replaces tryptophan 201 with a stop codon.
Molecular consequence: nonsense.
Genome position (GRCh38, 1-based): chr2:31,529,403, C>T on the plus strand (G>A on the coding strand, the complement: SRD5A2 is on the minus strand). VCF-style: chr2-31529403-C-T. GRCh37 (hg19) VCF-style: chr2-31754473-C-T.
Other names: short protein forms W201*.
Identifiers: ClinVar variation 2764310 (VCV002764310.3), dbSNP rs2465625226, ClinGen allele CA346598035.

ClinVar aggregate classification (germline): Pathogenic (1 of 4 stars; one submission).

Conditions:
3-Oxo-5 alpha-steroid delta 4-dehydrogenase deficiency (PPSH). Also called: FAMILIAL INCOMPLETE MALE PSEUDOHERMAPHRODITISM, TYPE 2; 46,XY disorder of sex development due to 5-alpha-reductase 2 deficiency; PSEUDOVAGINAL PERINEOSCROTAL HYPOSPADIAS; MALE PSEUDOHERMAPHRODITISM DUE TO 5-ALPHA-REDUCTASE DEFICIENCY. Identifiers: Orphanet 753, MedGen C0268297, MONDO:0009923, OMIM 264600. Disease mechanism: loss of function.

Submission:

Labcorp Genetics (formerly Invitae), Labcorp
Classification: Pathogenic for 3-Oxo-5 alpha-steroid delta 4-dehydrogenase deficiency. Last evaluated: 2023-09-29. Review status: criteria provided, single submitter. Criteria: Invitae Variant Classification Sherloc (09022015). Collection method: clinical testing. Allele origin: germline.
Comment: This sequence change creates a premature translational stop signal (p.Trp201*) in the SRD5A2 gene. It is expected to result in an absent or disrupted protein product. Loss-of-function variants in SRD5A2 are known to be pathogenic (PMID: 1406794, 1944596). This variant is not present in population databases (gnomAD no frequency). This variant has not been reported in the literature in individuals affected with SRD5A2-related conditions. Algorithms developed to predict the effect of sequence changes on RNA splicing suggest that this variant may disrupt the consensus splice site. For these reasons, this variant has been classified as Pathogenic.

Literature cited by the submitters: PubMed 1406794; PubMed 1944596.